The following is an entry in ClinVar:

ClinVar aggregate classification (germline): Likely benign (1 of 4 stars; one submission).

Allele frequency attached by ClinVar (database versions not stated): gnomAD exomes 0.00001.
gnomAD v4.1: 10 of 1,613,654 alleles (0.00062%); highest among the groups gnomAD compares: Non-Finnish European, 0.00085%; no homozygotes.

Submission:

CeGaT Center for Human Genetics Tuebingen
Classification: Likely benign. Last evaluated: 2023-03-01. Review status: criteria provided, single submitter. Criteria: CeGaT Center For Human Genetics Tuebingen Variant Classification Criteria Version 2. Collection method: clinical testing. Allele origin: germline. Affected: yes. Observed: 1 variant allele.
Comment: IFT122: PM2:Supporting, BP4, BP7

NM_052989.3(IFT122):c.3501G>A (p.Val1167=)

Gene: IFT122 (intraflagellar transport 122; plus strand). Cytogenetic location: 3q22.1.
Variant type: single nucleotide variant.
Coding change: c.3501G>A on transcript NM_052989.3 (MANE Select); coding-DNA position 3501, G replaced by A.
Protein change: p.Val1167=; no amino-acid change (valine 1167 retained).
Molecular consequence: synonymous variant.
Genome position (GRCh38, 1-based): chr3:129,519,597, G>A. VCF-style: chr3-129519597-G-A. GRCh37 (hg19) VCF-style: chr3-129238440-G-A.
Other names: c.3273G>A, p.Val1091= (NM_001410811.1); c.3270G>A, p.Val1090= (NM_001410813.1); c.3168G>A, p.Val1056= (NM_001410815.1); c.3117G>A, p.Val1039= (NM_001410817.1); c.3324G>A, p.Val1108= (NM_018262.4); c.3654G>A, p.Val1218= (NM_052985.4); c.3171G>A, p.Val1057= (NM_052990.3); c.3480G>A, p.Val1160= (NM_001280541.2); and 5 more.
Identifiers: ClinVar variation 2654126 (VCV002654126.24), dbSNP rs2532965561, ClinGen allele CA435639564.